The following is an entry in ClinVar:

ClinVar aggregate classification (germline): Uncertain significance (1 of 4 stars; one submission).

Conditions:
Developmental delay with dysmorphic facies and dental anomalies. Identifiers: MedGen C5543197, MONDO:0030988, OMIM 619228.

Allele frequency attached by ClinVar (database versions not stated): TOPMed below 0.00001; gnomAD 0.00001; gnomAD exomes 0.00001.
gnomAD v4.1: 13 of 1,613,984 alleles (0.00081%); highest among the groups gnomAD compares: African/African-American, 0.0013%; no homozygotes.

Submission:

Institute of Human Genetics, University of Leipzig Medical Center
Classification: Uncertain significance for Developmental delay with dysmorphic facies and dental anomalies. Last evaluated: 2022-03-24. Review status: criteria provided, single submitter. Criteria: ACMG Guidelines, 2015. Collection method: clinical testing. Allele origin: maternal. Affected: yes.
Comment: _x000D_ Criteria applied: PM1, PM2_SUP, PP3

NM_002971.6(SATB1):c.1925G>A (p.Arg642Gln)

Gene: SATB1 (SATB homeobox 1; minus strand). Cytogenetic location: 3p24.3.
Variant type: single nucleotide variant.
Coding change: c.1925G>A on transcript NM_002971.6 (MANE Select); coding-DNA position 1925, G replaced by A.
Protein change: p.Arg642Gln; replaces arginine 642 with glutamine.
Molecular consequence: missense variant.
Genome position (GRCh38, 1-based): chr3:18,349,537, C>T on the plus strand (G>A on the coding strand, the complement: SATB1 is on the minus strand). VCF-style: chr3-18349537-C-T. GRCh37 (hg19) VCF-style: chr3-18391029-C-T.
Other names: c.1925G>A, p.Arg642Gln (NM_001131010.4, NM_001322872.2, NM_001322873.2 and 2 more transcripts); c.2021G>A, p.Arg674Gln (NM_001195470.3, NM_001322871.2); c.1709G>A, p.Arg570Gln (NM_001322876.2); short protein forms R570Q, R642Q, R674Q.
Identifiers: ClinVar variation 1679146 (VCV001679146.1), dbSNP rs1182895238, ClinGen allele CA351853522.